The following is an entry in ClinVar:

NM_173477.5(USH1G):c.531C>G (p.Ser177Arg)

Gene: USH1G (USH1 protein network component sans; minus strand). Cytogenetic location: 17q25.1.
Variant type: single nucleotide variant.
Coding change: c.531C>G on transcript NM_173477.5 (MANE Select); coding-DNA position 531, C replaced by G.
Protein change: p.Ser177Arg; replaces serine 177 with arginine.
Molecular consequence: missense variant.
Genome position (GRCh38, 1-based): chr17:74,920,305, G>C on the plus strand (C>G on the coding strand, the complement: USH1G is on the minus strand). VCF-style: chr17-74920305-G-C. GRCh37 (hg19) VCF-style: chr17-72916400-G-C.
Other names: c.222C>G, p.Ser74Arg (NM_001282489.3); short protein forms S177R, S74R.
Identifiers: ClinVar variation 2071380 (VCV002071380.2), dbSNP rs147972772, ClinGen allele CA8754051.

ClinVar aggregate classification (germline): Uncertain significance. Review status: criteria provided, multiple submitters, no conflicts (2 of 4 stars). 2 submissions from 2 submitters: Uncertain significance (2). Last evaluated 2023-11-21.

Allele frequency attached by ClinVar (database versions not stated): ExAC 0.00002; gnomAD 0.00007; ESP Exome Variant Server 0.00008; TOPMed 0.00012.

Submissions (2):

Blueprint Genetics
Classification: Uncertain significance. Last evaluated: 2023-11-21. Review status: criteria provided, single submitter. Criteria: ACMG Guidelines, 2015. Collection method: clinical testing. Allele origin: germline.

Labcorp Genetics (formerly Invitae), Labcorp
Classification: Uncertain significance. Last evaluated: 2022-07-05. Review status: criteria provided, single submitter. Criteria: Invitae Variant Classification Sherloc (09022015). Collection method: clinical testing. Allele origin: germline.
Comment: This sequence change replaces serine, which is neutral and polar, with arginine, which is basic and polar, at codon 177 of the USH1G protein (p.Ser177Arg). This variant is present in population databases (rs147972772, gnomAD 0.02%). This variant has not been reported in the literature in individuals affected with USH1G-related conditions. Algorithms developed to predict the effect of missense changes on protein structure and function are either unavailable or do not agree on the potential impact of this missense change (SIFT: "Not Available"; PolyPhen-2: "Probably Damaging"; Align-GVGD: "Not Available"). In summary, the available evidence is currently insufficient to determine the role of this variant in disease. Therefore, it has been classified as a Variant of Uncertain Significance.